The following is an entry in ClinVar:

NM_006096.4(NDRG1):c.891+15G>A

Gene: NDRG1 (N-myc downstream regulated 1; minus strand). Cytogenetic location: 8q24.22.
Variant type: single nucleotide variant.
Coding change: c.891+15G>A on transcript NM_006096.4 (MANE Select); 15 bases into the intron after coding-DNA position 891, G replaced by A.
Molecular consequence: intron variant.
Genome position (GRCh38, 1-based): chr8:133,244,340, C>T on the plus strand (G>A on the coding strand, the complement: NDRG1 is on the minus strand). VCF-style: chr8-133244340-C-T. GRCh37 (hg19) VCF-style: chr8-134256583-C-T.
Other names: c.693+15G>A (NM_001258432.2, NM_001374847.1); c.648+15G>A (NM_001258433.2); c.942+15G>A (NM_001374844.1); c.891+15G>A (NM_001135242.2, NM_001374845.1, NM_001374846.1).
Identifiers: ClinVar variation 513215 (VCV000513215.4), dbSNP rs1554748576, ClinGen allele CA658797154.
Genomic context (GRCh38, chr8:133,244,340, plus strand): 5'-GTGTCACAGAGGCACATGCACTCCACCCAGGGGGAAGCGACAGCTGTATAATGCAAAAGC[C>T]AACATGGCACTCACCTGGGAGATCTGCGGGAGGCCGCCACAGTCCGCCATCTAGGAGAGA-3'

ClinVar aggregate classification (germline): Likely benign. Review status: criteria provided, multiple submitters, no conflicts (2 of 4 stars). 2 submissions from 2 submitters: Likely benign (2). Last evaluated 2025-10-17.

Conditions:
Charcot-Marie-Tooth disease type 4. Also called: Charcot-Marie-Tooth disease, type IV; Charcot-Marie-Tooth, Type 4. Identifiers: Orphanet 64749, MedGen C4082197, MONDO:0018995.

Allele frequency attached by ClinVar (database versions not stated): TOPMed below 0.00001; gnomAD 0.00001; gnomAD exomes 0.00001.
gnomAD v4.1: 21 of 1,614,054 alleles (0.0013%); highest among the groups gnomAD compares: Non-Finnish European, 0.0018%; no homozygotes.

Submissions (2):

Labcorp Genetics (formerly Invitae), Labcorp
Classification: Likely benign for Charcot-Marie-Tooth disease type 4. Last evaluated: 2025-10-17. Review status: criteria provided, single submitter. Criteria: Invitae Variant Classification Sherloc (09022015). Collection method: clinical testing. Allele origin: germline.

GeneDx
Classification: Likely benign. Last evaluated: 2017-11-07. Review status: criteria provided, single submitter. Criteria: GeneDx Variant Classification (06012015). Collection method: clinical testing. Allele origin: germline. Affected: yes.
Comment: This variant is considered likely benign or benign based on one or more of the following criteria: it is a conservative change, it occurs at a poorly conserved position in the protein, it is predicted to be benign by multiple in silico algorithms, and/or has population frequency not consistent with disease.